The following is an entry in ClinVar:

ClinVar aggregate classification (germline): Uncertain significance (1 of 4 stars; one submission).

Conditions:
PLXNA4-related disorder. Also called: PLXNA4-related condition.

gnomAD v4.1: 3 of 1,612,530 alleles (0.00019%); highest among the groups gnomAD compares: Non-Finnish European, 0.00025%; no homozygotes.

Submission:

PreventionGenetics, part of Exact Sciences
Classification: Uncertain significance for PLXNA4-related condition. Last evaluated: 2026-05-19. Review status: criteria provided, single submitter. Criteria: ACMG Guidelines, 2015. Collection method: clinical testing. Allele origin: germline.
Comment: The PLXNA4 c.3903T>A variant is predicted to result in the amino acid substitution p.His1301Gln. To our knowledge, this variant has not been reported in the literature. This variant is reported in 0.00088% of alleles in individuals of European (Non-Finnish) descent in gnomAD. At this time, the clinical significance of this variant is uncertain due to the absence of conclusive functional and genetic evidence.

NM_020911.2(PLXNA4):c.3903T>A (p.His1301Gln)

Gene: PLXNA4 (plexin A4; minus strand). Cytogenetic location: 7q32.3.
Variant type: single nucleotide variant.
Coding change: c.3903T>A on transcript NM_020911.2 (MANE Select); coding-DNA position 3903, T replaced by A.
Protein change: p.His1301Gln; replaces histidine 1301 with glutamine.
Molecular consequence: missense variant.
Genome position (GRCh38, 1-based): chr7:132,174,892, A>T on the plus strand (T>A on the coding strand, the complement: PLXNA4 is on the minus strand). VCF-style: chr7-132174892-A-T. GRCh37 (hg19) VCF-style: chr7-131859651-A-T.
Other names: c.3903T>A, p.His1301Gln (NM_001393897.1); short protein forms H1301Q.
Identifiers: ClinVar variation 4993676 (VCV004993676.1).